The following is an entry in ClinVar:

ClinVar aggregate classification (germline): Uncertain significance (1 of 4 stars; one submission).

Submission:

GeneDx
Classification: Uncertain significance. Last evaluated: 2026-01-26. Review status: criteria provided, single submitter. Criteria: GeneDx Variant Classification Process June 2021. Collection method: clinical testing. Allele origin: germline.
Comment: Not observed at significant frequency in large population cohorts (gnomAD); Has not been previously published as pathogenic or benign to our knowledge; In silico analysis is inconclusive as to whether the variant alters gene splicing. In the absence of RNA/functional studies, the actual effect of this sequence change is unknown.

NM_020297.4(ABCC9):c.2812C>A (p.Arg938=)

Gene: ABCC9 (ATP binding cassette subfamily C member 9; minus strand). Cytogenetic location: 12p12.1.
Variant type: single nucleotide variant.
Coding change: c.2812C>A on transcript NM_020297.4 (MANE Select); coding-DNA position 2812, C replaced by A.
Protein change: p.Arg938=; no amino-acid change (arginine 938 retained).
Molecular consequence: synonymous variant.
Genome position (GRCh38, 1-based): chr12:21,848,204, G>T on the plus strand (C>A on the coding strand, the complement: ABCC9 is on the minus strand). VCF-style: chr12-21848204-G-T. GRCh37 (hg19) VCF-style: chr12-22001138-G-T.
Other names: c.2812C>A, p.Arg938= (NM_001377273.1, NM_005691.4); c.1945C>A, p.Arg649= (NM_001377274.1).
Identifiers: ClinVar variation 4975626 (VCV004975626.1).
Genomic context (GRCh38, chr12:21,848,204, plus strand): 5'-ATCTACCTTCGTCTTCGTCCTCCATCTGGGCTTTGGCTTCTCTTGAATACATGGCCCGTC[G>T]GAGAGTTTTCCTCTCTAAAGTAGTTTGGTCAGCTTCCATATCCTGCAGTAAACATTGTAC-3'
Protein context (NP_064693.2, residues 928-948): DQTTLERKTL[Arg938=]RAMYSREAKA